The following is an entry in ClinVar:

NM_001201543.2(FAM161A):c.55G>A (p.Val19Ile)

Genes: FAM161A (FAM161 centrosomal protein A; minus strand), LOC129933843 (ATAC-STARR-seq lymphoblastoid active region 15839; plus strand). Cytogenetic location: 2p15.
Variant type: single nucleotide variant.
Coding change: c.55G>A on transcript NM_001201543.2 (MANE Select); coding-DNA position 55, G replaced by A.
Protein change: p.Val19Ile; replaces valine 19 with isoleucine.
Molecular consequence: missense variant. On other transcripts: non-coding transcript variant (1).
Genome position (GRCh38, 1-based): chr2:61,853,987, C>T on the plus strand (G>A on the coding strand, the complement: FAM161A is on the minus strand). VCF-style: chr2-61853987-C-T. GRCh37 (hg19) VCF-style: chr2-62081122-C-T.
Other names: c.55G>A, p.Val19Ile (NM_032180.3); short protein forms V19I.
Identifiers: ClinVar variation 1014571 (VCV001014571.2), dbSNP rs1673589588, ClinGen allele CA346990041.
Genomic context (GRCh38, chr2:61,853,987, plus strand): 5'-GGGCCTTTAAGGGGTCTTCGCGTTCGTACTGGGCGACCCGCGCTCCAGTGATGGGATTTA[C>T]CGGGGTCTGGAGACTGGAGGCCACCAGCTTCGCCACTCGGTGGGAGGTGGCCATCGCCCC-3'
Protein context (NP_001188472.1, residues 9-29): KLVASSLQTP[Val19Ile]NPITGARVAQ

ClinVar aggregate classification (germline): Uncertain significance (1 of 4 stars; one submission).

gnomAD v4.1: 2 of 1,613,712 alleles (0.00012%); highest among the groups gnomAD compares: Non-Finnish European, 0.00017%; no homozygotes.

Submission:

Labcorp Genetics (formerly Invitae), Labcorp
Classification: Uncertain significance. Last evaluated: 2022-07-12. Review status: criteria provided, single submitter. Criteria: Invitae Variant Classification Sherloc (09022015). Collection method: clinical testing. Allele origin: germline.
Comment: This sequence change replaces valine, which is neutral and non-polar, with isoleucine, which is neutral and non-polar, at codon 19 of the FAM161A protein (p.Val19Ile). This variant is not present in population databases (gnomAD no frequency). This variant has not been reported in the literature in individuals affected with FAM161A-related conditions. ClinVar contains an entry for this variant (Variation ID: 1014571). Algorithms developed to predict the effect of missense changes on protein structure and function output the following: SIFT: "Tolerated"; PolyPhen-2: "Benign"; Align-GVGD: "Class C0". The isoleucine amino acid residue is found in multiple mammalian species, which suggests that this missense change does not adversely affect protein function. In summary, the available evidence is currently insufficient to determine the role of this variant in disease. Therefore, it has been classified as a Variant of Uncertain Significance.